The following is an entry in ClinVar:

ClinVar aggregate classification (germline): Uncertain significance. Review status: criteria provided, multiple submitters, no conflicts (2 of 4 stars). 3 submissions from 3 submitters: Uncertain significance (3). Last evaluated 2025-04-16.

Conditions:
Hereditary diffuse gastric adenocarcinoma (HDGC). Also called: DIFFUSE GASTRIC AND LOBULAR BREAST CANCER SYNDROME. Identifiers: Orphanet 26106, MedGen C1708349, MONDO:0007648, OMIM 137215.
Hereditary cancer-predisposing syndrome. Also called: Neoplastic Syndromes, Hereditary; Hereditary Cancer Syndrome; Hereditary neoplastic syndrome; Tumor predisposition. Identifiers: Orphanet 140162, MedGen C0027672, MeSH D009386, MONDO:0015356.
Familial cancer of breast. Also called: hereditary breast carcinoma; BREAST CANCER, FAMILIAL; Hereditary breast cancer. Identifiers: Orphanet 227535, MedGen C0346153, MONDO:0016419, OMIM 114480. Disease mechanism: loss of function.

Allele frequency attached by ClinVar (database versions not stated): gnomAD 0.00001; gnomAD exomes 0.00001; ExAC 0.00002; 1000 Genomes Project 30x 0.00016; 1000 Genomes Project 0.00020.
gnomAD v4.1: 3 of 1,613,824 alleles (0.00019%); highest among the groups gnomAD compares: South Asian, 0.0011%; no homozygotes.

Submissions (3):

Labcorp Genetics (formerly Invitae), Labcorp
Classification: Uncertain significance for Hereditary diffuse gastric adenocarcinoma. Last evaluated: 2025-04-16. Review status: criteria provided, single submitter. Criteria: Invitae Variant Classification Sherloc (09022015). Collection method: clinical testing. Allele origin: germline.
Comment: This sequence change replaces threonine, which is neutral and polar, with arginine, which is basic and polar, at codon 360 of the CDH1 protein (p.Thr360Arg). This variant is present in population databases (rs549579183, gnomAD 0.003%). This variant has not been reported in the literature in individuals affected with CDH1-related conditions. ClinVar contains an entry for this variant (Variation ID: 643357). An algorithm developed to predict the effect of missense changes on protein structure and function (PolyPhen-2) suggests that this variant is likely to be disruptive. In summary, the available evidence is currently insufficient to determine the role of this variant in disease. Therefore, it has been classified as a Variant of Uncertain Significance.

Ambry Genetics
Classification: Uncertain significance for Hereditary cancer-predisposing syndrome. Last evaluated: 2024-09-15. Review status: criteria provided, single submitter. Criteria: Ambry Variant Classification Scheme 2023. Collection method: clinical testing. Allele origin: germline.
Comment: The p.T360R variant (also known as c.1079C>G), located in coding exon 8 of the CDH1 gene, results from a C to G substitution at nucleotide position 1079. The threonine at codon 360 is replaced by arginine, an amino acid with similar properties. This amino acid position is conserved. In addition, this alteration is predicted to be tolerated by in silico analysis. Based on the available evidence, the clinical significance of this variant remains unclear.

Baylor Genetics
Classification: Uncertain significance for Familial cancer of breast. Last evaluated: 2023-08-13. Review status: criteria provided, single submitter. Criteria: ACMG Guidelines, 2015. Collection method: clinical testing. Allele origin: unknown.

NM_004360.5(CDH1):c.1079C>G (p.Thr360Arg)

Gene: CDH1 (cadherin 1; plus strand). Cytogenetic location: 16q22.1.
Variant type: single nucleotide variant.
Coding change: c.1079C>G on transcript NM_004360.5 (MANE Select); coding-DNA position 1079, C replaced by G.
Protein change: p.Thr360Arg; replaces threonine 360 with arginine.
Molecular consequence: missense variant. On other transcripts: 5 prime UTR variant (2).
Genome position (GRCh38, 1-based): chr16:68,812,205, C>G. VCF-style: chr16-68812205-C-G. GRCh37 (hg19) VCF-style: chr16-68846108-C-G.
Other names: c.1079C>G (LRG_301t1); c.1079C>G, p.Thr360Arg (NM_001317184.2); c.-537C>G (NM_001317185.2); c.-741C>G (NM_001317186.2); short protein forms T360R.
Identifiers: ClinVar variation 643357 (VCV000643357.11), dbSNP rs549579183, ClinGen allele CA8129994.